The following is an entry in ClinVar:

NM_002890.3(RASA1):c.616A>G (p.Ile206Val)

Genes: CCNH (cyclin H; minus strand), RASA1 (RAS p21 protein activator 1; plus strand). Cytogenetic location: 5q14.3.
Variant type: single nucleotide variant.
Coding change: c.616A>G on transcript NM_002890.3 (MANE Select); coding-DNA position 616, A replaced by G.
Protein change: p.Ile206Val; replaces isoleucine 206 with valine.
Molecular consequence: missense variant. On other transcripts: intron variant (1).
Genome position (GRCh38, 1-based): chr5:87,331,424, A>G. VCF-style: chr5-87331424-A-G. GRCh37 (hg19) VCF-style: chr5-86627241-A-G.
Other names: c.85A>G, p.Ile29Val (NM_022650.3); c.934-18629T>C (NM_001364075.2); short protein forms I29V, I206V.
Identifiers: ClinVar variation 1508597 (VCV001508597.6), dbSNP rs752280214, ClinGen allele CA3335526.

ClinVar aggregate classification (germline): Uncertain significance (1 of 4 stars; one submission).

Conditions:
Capillary malformation-arteriovenous malformation syndrome. Also called: Capillary malformation-arteriovenous malformation. Identifiers: Orphanet 137667, MedGen C1842180, MONDO:0012016.

Allele frequency attached by ClinVar (database versions not stated): gnomAD exomes 0.00001 and below 0.00001; ExAC 0.00001.
gnomAD v4.1: 5 of 1,613,886 alleles (0.00031%); highest among the groups gnomAD compares: Non-Finnish European, 0.00034%; no homozygotes.

Submission:

Labcorp Genetics (formerly Invitae), Labcorp
Classification: Uncertain significance for Capillary malformation-arteriovenous malformation syndrome. Last evaluated: 2023-01-23. Review status: criteria provided, single submitter. Criteria: Invitae Variant Classification Sherloc (09022015). Collection method: clinical testing. Allele origin: germline.
Comment: ClinVar contains an entry for this variant (Variation ID: 1508597). This variant has not been reported in the literature in individuals affected with RASA1-related conditions. This variant is present in population databases (rs752280214, gnomAD 0.004%). This sequence change replaces isoleucine, which is neutral and non-polar, with valine, which is neutral and non-polar, at codon 206 of the RASA1 protein (p.Ile206Val). Algorithms developed to predict the effect of missense changes on protein structure and function are either unavailable or do not agree on the potential impact of this missense change (SIFT: "Tolerated"; PolyPhen-2: "Possibly Damaging"; Align-GVGD: "Class C0"). In summary, the available evidence is currently insufficient to determine the role of this variant in disease. Therefore, it has been classified as a Variant of Uncertain Significance.